The following is an entry in ClinVar:

NM_021930.6(RINT1):c.2074C>A (p.Leu692Ile)

Genes: EFCAB10 (EF-hand calcium binding domain 10; minus strand), RINT1 (RAD50 interactor 1; plus strand). Cytogenetic location: 7q22.3.
Variant type: single nucleotide variant.
Coding change: c.2074C>A on transcript NM_021930.6 (MANE Select); coding-DNA position 2074, C replaced by A.
Protein change: p.Leu692Ile; replaces leucine 692 with isoleucine.
Molecular consequence: missense variant. On other transcripts: 3 prime UTR variant (1), non-coding transcript variant (1), intron variant (2).
Genome position (GRCh38, 1-based): chr7:105,565,536, C>A. VCF-style: chr7-105565536-C-A. GRCh37 (hg19) VCF-style: chr7-105205983-C-A.
Other names: c.*13G>T (NM_001355530.2); c.1840C>A, p.Leu614Ile (NM_001346599.2); c.1051C>A, p.Leu351Ile (NM_001346600.2, NM_001346603.2); c.1150C>A, p.Leu384Ile (NM_001346601.2); c.360-89G>T (NM_001355531.2); c.384-89G>T (NM_001355526.2); short protein forms L384I, L614I, L692I, L351I.
Identifiers: ClinVar variation 2563357 (VCV002563357.2), dbSNP rs2485185968, ClinGen allele CA368815047.

ClinVar aggregate classification (germline): Uncertain significance (1 of 4 stars; one submission).

Submission:

Ambry Genetics
Classification: Uncertain significance. Last evaluated: 2023-05-21. Review status: criteria provided, single submitter. Criteria: Ambry Variant Classification Scheme 2023. Collection method: clinical testing. Allele origin: germline.
Comment: The p.L692I variant (also known as c.2074C>A), located in coding exon 14 of the RINT1 gene, results from a C to A substitution at nucleotide position 2074. The leucine at codon 692 is replaced by isoleucine, an amino acid with highly similar properties. This amino acid position is conserved. In addition, this alteration is predicted to be tolerated by in silico analysis. Since supporting evidence is limited at this time, the clinical significance of this alteration remains unclear.